The following is an entry in ClinVar:

ClinVar aggregate classification (germline): Uncertain significance (1 of 4 stars; one submission).

Allele frequency attached by ClinVar (database versions not stated): ExAC 0.00004; gnomAD 0.00001; gnomAD exomes 0.00001; TOPMed 0.00002.

Submission:

Labcorp Genetics (formerly Invitae), Labcorp
Classification: Uncertain significance. Last evaluated: 2023-11-27. Review status: criteria provided, single submitter. Criteria: Invitae Variant Classification Sherloc (09022015). Collection method: clinical testing. Allele origin: germline.
Comment: This sequence change replaces histidine, which is basic and polar, with arginine, which is basic and polar, at codon 352 of the FUK protein (p.His352Arg). This variant is present in population databases (rs770503000, gnomAD 0.01%). This variant has not been reported in the literature in individuals affected with FUK-related conditions. ClinVar contains an entry for this variant (Variation ID: 2064262). An algorithm developed to predict the effect of missense changes on protein structure and function (PolyPhen-2) suggests that this variant is likely to be disruptive. In summary, the available evidence is currently insufficient to determine the role of this variant in disease. Therefore, it has been classified as a Variant of Uncertain Significance.

NM_145059.3(FCSK):c.1055A>G (p.His352Arg)

Gene: FCSK (fucose kinase; plus strand). Cytogenetic location: 16q22.1.
Variant type: single nucleotide variant.
Coding change: c.1055A>G on transcript NM_145059.3 (MANE Select); coding-DNA position 1055, A replaced by G.
Protein change: p.His352Arg; replaces histidine 352 with arginine.
Molecular consequence: missense variant.
Genome position (GRCh38, 1-based): chr16:70,470,413, A>G. VCF-style: chr16-70470413-A-G. GRCh37 (hg19) VCF-style: chr16-70504316-A-G.
Other names: short protein forms H352R.
Identifiers: ClinVar variation 2064262 (VCV002064262.4), dbSNP rs770503000, ClinGen allele CA8143175.